The following is an entry in ClinVar:

ClinVar aggregate classification (germline): Conflicting classifications of pathogenicity. Review status: criteria provided, conflicting classifications (1 of 4 stars). 2 submissions from 2 submitters: Uncertain significance (1); Likely benign (1). Last evaluated 2025-02-19.

Conditions:
Inborn genetic diseases. Identifiers: MedGen C0950123, MeSH D030342.

Allele frequency attached by ClinVar (database versions not stated): ExAC 0.00002; gnomAD 0.00005; TOPMed 0.00005.
gnomAD v4.1: 28 of 1,613,830 alleles (0.0017%); highest among the groups gnomAD compares: Middle Eastern, 0.016%; no homozygotes.

Submissions (2):

Ambry Genetics
Classification: Likely benign for Inborn genetic diseases. Last evaluated: 2025-02-19. Review status: criteria provided, single submitter. Criteria: Ambry Variant Classification Scheme 2023. Collection method: clinical testing. Allele origin: germline.

Labcorp Genetics (formerly Invitae), Labcorp
Classification: Uncertain significance. Last evaluated: 2023-12-09. Review status: criteria provided, single submitter. Criteria: Invitae Variant Classification Sherloc (09022015). Collection method: clinical testing. Allele origin: germline.
Comment: This sequence change replaces valine, which is neutral and non-polar, with isoleucine, which is neutral and non-polar, at codon 628 of the STAG1 protein (p.Val628Ile). This variant is present in population databases (rs774492433, gnomAD 0.01%). This variant has not been reported in the literature in individuals affected with STAG1-related conditions. ClinVar contains an entry for this variant (Variation ID: 1975683). Advanced modeling of protein sequence and biophysical properties (such as structural, functional, and spatial information, amino acid conservation, physicochemical variation, residue mobility, and thermodynamic stability) performed at Invitae indicates that this missense variant is not expected to disrupt STAG1 protein function with a negative predictive value of 80%. In summary, the available evidence is currently insufficient to determine the role of this variant in disease. Therefore, it has been classified as a Variant of Uncertain Significance.

NM_005862.3(STAG1):c.1882G>A (p.Val628Ile)

Gene: STAG1 (STAG1 cohesin complex component; minus strand). Cytogenetic location: 3q22.3.
Variant type: single nucleotide variant.
Coding change: c.1882G>A on transcript NM_005862.3 (MANE Select); coding-DNA position 1882, G replaced by A.
Protein change: p.Val628Ile; replaces valine 628 with isoleucine.
Molecular consequence: missense variant.
Genome position (GRCh38, 1-based): chr3:136,422,565, C>T on the plus strand (G>A on the coding strand, the complement: STAG1 is on the minus strand). VCF-style: chr3-136422565-C-T. GRCh37 (hg19) VCF-style: chr3-136141407-C-T.
Other names: c.1882G>A (NM_005862.2); short protein forms V628I.
Identifiers: ClinVar variation 1975683 (VCV001975683.6), dbSNP rs774492433, ClinGen allele CA2632770.